The following is an entry in ClinVar:

NM_024675.4(PALB2):c.1340C>A (p.Ala447Glu)

Gene: PALB2 (partner and localizer of BRCA2; minus strand). Cytogenetic location: 16p12.2.
Variant type: single nucleotide variant.
Coding change: c.1340C>A on transcript NM_024675.4 (MANE Select); coding-DNA position 1340, C replaced by A.
Protein change: p.Ala447Glu; replaces alanine 447 with glutamic acid.
Molecular consequence: missense variant.
Genome position (GRCh38, 1-based): chr16:23,635,206, G>T on the plus strand (C>A on the coding strand, the complement: PALB2 is on the minus strand). VCF-style: chr16-23635206-G-T. GRCh37 (hg19) VCF-style: chr16-23646527-G-T.
Other names: short protein forms A447E.
Identifiers: ClinVar variation 480285 (VCV000480285.13), dbSNP rs1555461334, ClinGen allele CA395132235.

ClinVar aggregate classification (germline): Uncertain significance. Review status: criteria provided, multiple submitters, no conflicts (2 of 4 stars). 3 submissions from 3 submitters: Uncertain significance (3). Last evaluated 2025-10-05.

Conditions:
Hereditary cancer-predisposing syndrome. Also called: Hereditary neoplastic syndrome; Neoplastic Syndromes, Hereditary; Tumor predisposition; Hereditary Cancer Syndrome. Identifiers: Orphanet 140162, MedGen C0027672, MeSH D009386, MONDO:0015356.
Pancreatic cancer, susceptibility to, 3. Identifiers: Orphanet 1333, MedGen C3150547, MONDO:0013236, OMIM 613348.
Familial cancer of breast. Also called: BREAST CANCER, FAMILIAL; Hereditary breast cancer; hereditary breast carcinoma. Identifiers: Orphanet 227535, MedGen C0346153, MONDO:0016419, OMIM 114480. Disease mechanism: loss of function.
Fanconi anemia complementation group N. Also called: PALB2-Related Fanconi Anemia. Identifiers: Orphanet 84, MedGen C1835817, MONDO:0012565, OMIM 610832. Disease mechanism: loss of function.

Allele frequency attached by ClinVar (database versions not stated): gnomAD exomes below 0.00001.
gnomAD v4.1: 2 of 1,614,090 alleles (0.00012%); highest among the groups gnomAD compares: Non-Finnish European, 0.00017%; no homozygotes.

Submissions (3):

Labcorp Genetics (formerly Invitae), Labcorp
Classification: Uncertain significance for Familial cancer of breast. Last evaluated: 2025-10-05. Review status: criteria provided, single submitter. Criteria: Invitae Variant Classification Sherloc (09022015). Collection method: clinical testing. Allele origin: germline.
Comment: This sequence change replaces alanine, which is neutral and non-polar, with glutamic acid, which is acidic and polar, at codon 447 of the PALB2 protein (p.Ala447Glu). This variant is not present in population databases (gnomAD no frequency). This variant has not been reported in the literature in individuals affected with PALB2-related conditions. ClinVar contains an entry for this variant (Variation ID: 480285). Invitae Evidence Modeling of protein sequence and biophysical properties (such as structural, functional, and spatial information, amino acid conservation, physicochemical variation, residue mobility, and thermodynamic stability) indicates that this missense variant is not expected to disrupt PALB2 protein function with a negative predictive value of 80%. In summary, the available evidence is currently insufficient to determine the role of this variant in disease. Therefore, it has been classified as a Variant of Uncertain Significance.

Ambry Genetics
Classification: Uncertain significance for Hereditary cancer-predisposing syndrome. Last evaluated: 2023-06-30. Review status: criteria provided, single submitter. Criteria: Ambry Variant Classification Scheme 2023. Collection method: clinical testing. Allele origin: germline.
Comment: The p.A447E variant (also known as c.1340C>A), located in coding exon 4 of the PALB2 gene, results from a C to A substitution at nucleotide position 1340. The alanine at codon 447 is replaced by glutamic acid, an amino acid with dissimilar properties. This amino acid position is not well conserved in available vertebrate species. In addition, this alteration is predicted to be tolerated by in silico analysis. Since supporting evidence is limited at this time, the clinical significance of this alteration remains unclear.

Fulgent Genetics
Classification: Uncertain significance for Familial cancer of breast; Fanconi anemia complementation group N; Pancreatic cancer, susceptibility to, 3. Last evaluated: 2018-10-31. Review status: criteria provided, single submitter. Criteria: ACMG Guidelines, 2015. Collection method: clinical testing. Allele origin: unknown.